The following is an entry in ClinVar:

NM_023110.3(FGFR1):c.621+7G>T

Gene: FGFR1 (fibroblast growth factor receptor 1; minus strand). Cytogenetic location: 8p11.23.
Variant type: single nucleotide variant.
Coding change: c.621+7G>T on transcript NM_023110.3 (MANE Select); 7 bases into the intron after coding-DNA position 621, G replaced by T.
Molecular consequence: intron variant.
Genome position (GRCh38, 1-based): chr8:38,427,914, C>A on the plus strand (G>T on the coding strand, the complement: FGFR1 is on the minus strand). VCF-style: chr8-38427914-C-A. GRCh37 (hg19) VCF-style: chr8-38285432-C-A.
Other names: c.348+7G>T (NM_001354368.2, NM_001354370.2, NM_023106.3); c.354+7G>T (NM_023105.3, NM_001174066.2); c.615+7G>T (NM_001354367.2, NM_015850.4, NM_001354369.2 and 1 more transcripts); c.621+7G>T (NM_001174063.2); c.597+7G>T (NM_001174064.2); c.714+7G>T (NM_001174067.2).
Identifiers: ClinVar variation 697943 (VCV000697943.9), dbSNP rs377200873, ClinGen allele CA4718701.

ClinVar aggregate classification (germline): Likely benign. Review status: criteria provided, multiple submitters, no conflicts (2 of 4 stars). 3 submissions from 3 submitters: Likely benign (3). Last evaluated 2025-09-13.

Conditions:
Pfeiffer syndrome (ACS5). Also called: ACS V. Identifiers: Orphanet 710, MedGen C0220658, MONDO:0007043, OMIM 101600.
Hypogonadotropic hypogonadism 2 with or without anosmia (HH2). Also called: FGFR1-Related GnRH Deficiency (Kallmann Syndrome 2); HYPOGONADOTROPIC HYPOGONADISM 2 WITHOUT ANOSMIA; HYPOGONADOTROPIC HYPOGONADISM 2 WITH OR WITHOUT ANOSMIA, SUSCEPTIBILITY TO; HYPOGONADOTROPIC HYPOGONADISM 2 WITHOUT ANOSMIA, SUSCEPTIBILITY TO. Identifiers: Orphanet 478, MedGen C1563720, MONDO:0007844, OMIM 147950. Disease mechanism: loss of function.
Trigonocephaly 1 (TRIGNO1). Identifiers: Orphanet 3366, MedGen C0432122, MONDO:0008603, OMIM 190440.
Osteoglophonic dysplasia (OGD). Also called: Osteoglophonic dwarfism. Identifiers: Orphanet 2645, MedGen C0432283, MONDO:0008150, OMIM 166250.
Encephalocraniocutaneous lipomatosis (ECCL). Identifiers: Orphanet 2396, MedGen C0406612, MONDO:0013074, OMIM 613001.
Hartsfield-Bixler-Demyer syndrome (HRTFDS). Also called: FGFR1-Related Hartsfield Syndrome; Holoprosencephaly, ectrodactyly, and bilateral cleft lip/palate; Hartsfield syndrome. Identifiers: Orphanet 2117, MedGen C1845146, MONDO:0014196, OMIM 615465. Disease mechanism: loss of function.
Jackson-Weiss syndrome (JWS). Also called: CRANIOSYNOSTOSIS, MIDFACIAL HYPOPLASIA, AND FOOT ABNORMALITIES. Identifiers: Orphanet 1540, MedGen C0795998, MONDO:0007400, OMIM 123150. Disease mechanism: loss of function.
FGFR1-related disorder. Also called: FGFR1-related disorders; FGFR1-related condition. Identifiers: MedGen CN380097.

Allele frequency attached by ClinVar (database versions not stated): gnomAD 0.00004; gnomAD exomes 0.00004 and 0.00007; TOPMed 0.00004; ExAC 0.00007; ESP Exome Variant Server 0.00008.
gnomAD v4.1: 107 of 1,614,266 alleles (0.0066%); highest among the groups gnomAD compares: Non-Finnish European, 0.0086%; no homozygotes.

Submissions (3):

PreventionGenetics, part of Exact Sciences
Classification: Likely benign for FGFR1-related condition. Last evaluated: 2025-09-13. Review status: criteria provided, single submitter. Criteria: ACMG Guidelines, 2015. Collection method: clinical testing. Allele origin: germline.
Comment: This variant is classified as likely benign based on ACMG/AMP sequence variant interpretation guidelines (Richards et al. 2015 PMID: 25741868, with internal and published modifications).

Labcorp Genetics (formerly Invitae), Labcorp
Classification: Likely benign for Pfeiffer syndrome; Hypogonadotropic hypogonadism 2 with or without anosmia. Last evaluated: 2025-05-12. Review status: criteria provided, single submitter. Criteria: Invitae Variant Classification Sherloc (09022015). Collection method: clinical testing. Allele origin: germline.

Fulgent Genetics
Classification: Likely benign for Pfeiffer syndrome; Jackson-Weiss syndrome; Hypogonadotropic hypogonadism 2 with or without anosmia; Osteoglophonic dysplasia; Trigonocephaly 1; Encephalocraniocutaneous lipomatosis; Hartsfield-Bixler-Demyer syndrome. Last evaluated: 2022-05-12. Review status: criteria provided, single submitter. Criteria: ACMG Guidelines, 2015. Collection method: clinical testing. Allele origin: unknown.